The following is an entry in ClinVar:

NM_001127222.2(CACNA1A):c.56C>A (p.Ala19Glu)

Gene: CACNA1A (calcium voltage-gated channel subunit alpha1 A; minus strand). Cytogenetic location: 19p13.13.
Variant type: single nucleotide variant.
Coding change: c.56C>A on transcript NM_001127222.2 (MANE Select); coding-DNA position 56, C replaced by A.
Protein change: p.Ala19Glu; replaces alanine 19 with glutamic acid.
Molecular consequence: missense variant.
Genome position (GRCh38, 1-based): chr19:13,506,169, G>T on the plus strand (C>A on the coding strand, the complement: CACNA1A is on the minus strand). VCF-style: chr19-13506169-G-T. GRCh37 (hg19) VCF-style: chr19-13616983-G-T.
Other names: c.56C>A, p.Ala19Glu (NM_000068.4, NM_001127221.2, NM_001174080.2 and 1 more transcripts); short protein forms A19E.
Identifiers: ClinVar variation 2057655 (VCV002057655.4), dbSNP rs764604964, ClinGen allele CA404971294.

ClinVar aggregate classification (germline): Uncertain significance (1 of 4 stars; one submission).

Conditions:
Developmental and epileptic encephalopathy, 42 (DEE42A). Also called: DEVELOPMENTAL AND EPILEPTIC ENCEPHALOPATHY 42A; EPILEPTIC ENCEPHALOPATHY, EARLY INFANTILE, 42A; Epileptic encephalopathy, early infantile, 42. Identifiers: MedGen C4310716, MONDO:0014917, OMIM 617106.
Episodic ataxia type 2 (EA2). Also called: ACETAZOLAMIDE-RESPONSIVE HEREDITARY PAROXYSMAL CEREBELLAR ATAXIA; ATAXIA, EPISODIC, WITH NYSTAGMUS; ATAXIA, FAMILIAL PAROXYSMAL; CEREBELLAR ATAXIA, PAROXYSMAL, ACETAZOLAMIDE-RESPONSIVE; CEREBELLOPATHY, HEREDITARY PAROXYSMAL; EPISODIC ATAXIA, NYSTAGMUS-ASSOCIATED. Identifiers: Orphanet 97, MedGen C1720416, MONDO:0007163, OMIM 108500.

Submission:

Labcorp Genetics (formerly Invitae), Labcorp
Classification: Uncertain significance for Developmental and epileptic encephalopathy, 42; Episodic ataxia type 2. Last evaluated: 2023-09-19. Review status: criteria provided, single submitter. Criteria: Invitae Variant Classification Sherloc (09022015). Collection method: clinical testing. Allele origin: germline.
Comment: In summary, the available evidence is currently insufficient to determine the role of this variant in disease. Therefore, it has been classified as a Variant of Uncertain Significance. Advanced modeling of protein sequence and biophysical properties (such as structural, functional, and spatial information, amino acid conservation, physicochemical variation, residue mobility, and thermodynamic stability) performed at Invitae indicates that this missense variant is not expected to disrupt CACNA1A protein function. ClinVar contains an entry for this variant (Variation ID: 2057655). This variant has not been reported in the literature in individuals affected with CACNA1A-related conditions. This variant is not present in population databases (gnomAD no frequency). This sequence change replaces alanine, which is neutral and non-polar, with glutamic acid, which is acidic and polar, at codon 19 of the CACNA1A protein (p.Ala19Glu).